The following is an entry in ClinVar:

ClinVar aggregate classification (germline): Uncertain significance (1 of 4 stars; one submission).

Submission:

GeneDx
Classification: Uncertain significance. Last evaluated: 2022-08-22. Review status: criteria provided, single submitter. Criteria: GeneDx Variant Classification Process June 2021. Collection method: clinical testing. Allele origin: germline. Affected: yes.
Comment: Not observed at significant frequency in large population cohorts (gnomAD); In silico analysis supports that this missense variant has a deleterious effect on protein structure/function; Has not been previously published as pathogenic or benign to our knowledge

NM_003482.4(KMT2D):c.14467C>T (p.Pro4823Ser)

Gene: KMT2D (lysine methyltransferase 2D; minus strand). Cytogenetic location: 12q13.12.
Variant type: single nucleotide variant.
Coding change: c.14467C>T on transcript NM_003482.4 (MANE Select); coding-DNA position 14467, C replaced by T.
Protein change: p.Pro4823Ser; replaces proline 4823 with serine.
Molecular consequence: missense variant.
Genome position (GRCh38, 1-based): chr12:49,028,057, G>A on the plus strand (C>T on the coding strand, the complement: KMT2D is on the minus strand). VCF-style: chr12-49028057-G-A. GRCh37 (hg19) VCF-style: chr12-49421840-G-A.
Other names: short protein forms P4823S.
Identifiers: ClinVar variation 2430661 (VCV002430661.1), dbSNP rs1942697567, ClinGen allele CA384695073.